The following is an entry in ClinVar:

ClinVar aggregate classification (germline): Uncertain significance (1 of 4 stars; one submission).

Conditions:
Charcot-Marie-Tooth disease type 4. Also called: Charcot-Marie-Tooth, Type 4; Charcot-Marie-Tooth disease, type IV. Identifiers: Orphanet 64749, MedGen C4082197, MONDO:0018995.

Allele frequency attached by ClinVar (database versions not stated): gnomAD exomes below 0.00001 and 0.00002; gnomAD 0.00003; TOPMed 0.00003.
gnomAD v4.1: 33 of 1,614,038 alleles (0.002%); highest among the groups gnomAD compares: Non-Finnish European, 0.0028%; no homozygotes.

Submission:

Labcorp Genetics (formerly Invitae), Labcorp
Classification: Uncertain significance for Charcot-Marie-Tooth disease type 4. Last evaluated: 2021-09-01. Review status: criteria provided, single submitter. Criteria: Invitae Variant Classification Sherloc (09022015). Collection method: clinical testing. Allele origin: germline.
Comment: This sequence change replaces lysine with arginine at codon 762 of the PRX protein (p.Lys762Arg). The lysine residue is moderately conserved and there is a small physicochemical difference between lysine and arginine. This variant is not present in population databases (ExAC no frequency). This variant has not been reported in the literature in individuals affected with PRX-related conditions. Algorithms developed to predict the effect of missense changes on protein structure and function are either unavailable or do not agree on the potential impact of this missense change (SIFT: "Tolerated"; PolyPhen-2: "Possibly Damaging"; Align-GVGD: "Class C0"). In summary, the available evidence is currently insufficient to determine the role of this variant in disease. Therefore, it has been classified as a Variant of Uncertain Significance.

NM_181882.3(PRX):c.2285A>G (p.Lys762Arg)

Gene: PRX (periaxin; minus strand). Cytogenetic location: 19q13.2.
Variant type: single nucleotide variant.
Coding change: c.2285A>G on transcript NM_181882.3 (MANE Select); coding-DNA position 2285, A replaced by G.
Protein change: p.Lys762Arg; replaces lysine 762 with arginine.
Molecular consequence: missense variant. On other transcripts: 3 prime UTR variant (1).
Genome position (GRCh38, 1-based): chr19:40,396,067, T>C on the plus strand (A>G on the coding strand, the complement: PRX is on the minus strand). VCF-style: chr19-40396067-T-C. GRCh37 (hg19) VCF-style: chr19-40901974-T-C.
Other names: c.*2490A>G (NM_020956.2); short protein forms K762R.
Identifiers: ClinVar variation 582769 (VCV000582769.6), dbSNP rs202165534, ClinGen allele CA308418472.